The following is an entry in ClinVar:

NM_000094.4(COL7A1):c.6257C>T (p.Pro2086Leu)

Gene: COL7A1 (collagen type VII alpha 1 chain; minus strand). Cytogenetic location: 3p21.31.
Variant type: single nucleotide variant.
Coding change: c.6257C>T on transcript NM_000094.4 (MANE Select); coding-DNA position 6257, C replaced by T.
Protein change: p.Pro2086Leu; replaces proline 2086 with leucine.
Molecular consequence: missense variant.
Genome position (GRCh38, 1-based): chr3:48,575,086, G>A on the plus strand (C>T on the coding strand, the complement: COL7A1 is on the minus strand). VCF-style: chr3-48575086-G-A. GRCh37 (hg19) VCF-style: chr3-48612519-G-A.
Other names: short protein forms P2086L.
Identifiers: ClinVar variation 3063800 (VCV003063800.3), dbSNP rs958623536, ClinGen allele CA73976984.

ClinVar aggregate classification (germline): Conflicting classifications of pathogenicity. Review status: criteria provided, conflicting classifications (1 of 4 stars). 3 submissions from 3 submitters: Uncertain significance (2); Likely benign (1). Last evaluated 2025-12-15.

Conditions:
Inborn genetic diseases. Identifiers: MedGen C0950123, MeSH D030342.

Allele frequency attached by ClinVar (database versions not stated): TOPMed below 0.00001; gnomAD exomes 0.00001.
gnomAD v4.1: 12 of 1,613,598 alleles (0.00074%); highest among the groups gnomAD compares: Middle Eastern, 0.083%; no homozygotes.

Submissions (3):

Ambry Genetics
Classification: Likely benign for Inborn genetic diseases. Last evaluated: 2025-12-15. Review status: criteria provided, single submitter. Criteria: Ambry Variant Classification Scheme 2023. Collection method: clinical testing. Allele origin: germline.

Labcorp Genetics (formerly Invitae), Labcorp
Classification: Uncertain significance. Last evaluated: 2024-04-25. Review status: criteria provided, single submitter. Criteria: Invitae Variant Classification Sherloc (09022015). Collection method: clinical testing. Allele origin: germline.
Comment: This sequence change replaces proline, which is neutral and non-polar, with leucine, which is neutral and non-polar, at codon 2086 of the COL7A1 protein (p.Pro2086Leu). This variant is present in population databases (no rsID available, gnomAD no frequency). This variant has not been reported in the literature in individuals affected with COL7A1-related conditions. Advanced modeling of protein sequence and biophysical properties (such as structural, functional, and spatial information, amino acid conservation, physicochemical variation, residue mobility, and thermodynamic stability) performed at Invitae indicates that this missense variant is not expected to disrupt COL7A1 protein function with a negative predictive value of 95%. In summary, the available evidence is currently insufficient to determine the role of this variant in disease. Therefore, it has been classified as a Variant of Uncertain Significance.

Women's Health and Genetics/Laboratory Corporation of America, LabCorp
Classification: Uncertain significance. Last evaluated: 2024-01-08. Review status: criteria provided, single submitter. Criteria: LabCorp Variant Classification Summary - May 2015. Collection method: clinical testing. Allele origin: germline.